The following is an entry in ClinVar:

NM_006915.3(RP2):c.765T>A (p.Asp255Glu)

Gene: RP2 (RP2 activator of ARL3 GTPase; plus strand). Cytogenetic location: Xp11.3.
Variant type: single nucleotide variant.
Coding change: c.765T>A on transcript NM_006915.3 (MANE Select); coding-DNA position 765, T replaced by A.
Protein change: p.Asp255Glu; replaces aspartic acid 255 with glutamic acid.
Molecular consequence: missense variant.
Genome position (GRCh38, 1-based): chrX:46,854,138, T>A. VCF-style: chrX-46854138-T-A. GRCh37 (hg19) VCF-style: chrX-46713573-T-A.
Other names: c.765T>A (NM_006915.2); short protein forms D255E.
Identifiers: ClinVar variation 998776 (VCV000998776.9), dbSNP rs1924915594, ClinGen allele CA413040665.

ClinVar aggregate classification (germline): Uncertain significance. Review status: criteria provided, multiple submitters, no conflicts (2 of 4 stars). 2 submissions from 2 submitters: Uncertain significance (2). Last evaluated 2024-11-29.

Conditions:
Inborn genetic diseases. Identifiers: MedGen C0950123, MeSH D030342.

Allele frequency attached by ClinVar (database versions not stated): gnomAD exomes below 0.00001.
gnomAD v4.1: 1 of 1,205,365 alleles (0.000083%); highest among the groups gnomAD compares: Non-Finnish European, 0.00011%; no homozygotes.

Submissions (2):

Ambry Genetics
Classification: Uncertain significance for Inborn genetic diseases. Last evaluated: 2024-11-29. Review status: criteria provided, single submitter. Criteria: Ambry Variant Classification Scheme 2023. Collection method: clinical testing. Allele origin: germline.

Labcorp Genetics (formerly Invitae), Labcorp
Classification: Uncertain significance. Last evaluated: 2020-04-23. Review status: criteria provided, single submitter. Criteria: Invitae Variant Classification Sherloc (09022015). Collection method: clinical testing. Allele origin: germline.
Comment: In summary, the available evidence is currently insufficient to determine the role of this variant in disease. Therefore, it has been classified as a Variant of Uncertain Significance. Algorithms developed to predict the effect of missense changes on protein structure and function (SIFT, PolyPhen-2, Align-GVGD) all suggest that this variant is likely to be tolerated, but these predictions have not been confirmed by published functional studies and their clinical significance is uncertain. This variant has not been reported in the literature in individuals with RP2-related conditions. This variant is not present in population databases (ExAC no frequency). This sequence change replaces aspartic acid with glutamic acid at codon 255 of the RP2 protein (p.Asp255Glu). The aspartic acid residue is highly conserved and there is a small physicochemical difference between aspartic acid and glutamic acid.